The following is an entry in ClinVar:

ClinVar aggregate classification (germline): Uncertain significance (1 of 4 stars; one submission).

Submission:

GeneDx
Classification: Uncertain significance. Last evaluated: 2022-06-03. Review status: criteria provided, single submitter. Criteria: GeneDx Variant Classification Process June 2021. Collection method: clinical testing. Allele origin: germline. Affected: yes.
Comment: Not observed at significant frequency in large population cohorts (gnomAD); In silico analysis supports that this missense variant has a deleterious effect on protein structure/function; Has not been previously published as pathogenic or benign to our knowledge

NM_031407.7(HUWE1):c.12281A>G (p.Asn4094Ser)

Gene: HUWE1 (HECT, UBA and WWE domain containing E3 ubiquitin protein ligase 1; minus strand). Cytogenetic location: Xp11.22.
Variant type: single nucleotide variant.
Coding change: c.12281A>G on transcript NM_031407.7 (MANE Select); coding-DNA position 12281, A replaced by G.
Protein change: p.Asn4094Ser; replaces asparagine 4094 with serine.
Molecular consequence: missense variant.
Genome position (GRCh38, 1-based): chrX:53,536,524, T>C on the plus strand (A>G on the coding strand, the complement: HUWE1 is on the minus strand). VCF-style: chrX-53536524-T-C. GRCh37 (hg19) VCF-style: chrX-53563485-T-C.
Other names: short protein forms N4094S.
Identifiers: ClinVar variation 1802012 (VCV001802012.1), dbSNP rs2522057211, ClinGen allele CA413150948.